The following is an entry in ClinVar:

ClinVar aggregate classification (germline): Likely pathogenic (1 of 4 stars; one submission).

Conditions:
Familial melanoma. Also called: Hereditary melanoma; Hereditary cutaneous melanoma. Identifiers: Orphanet 618, MedGen C1512419, MONDO:0018961.

Submission:

Labcorp Genetics (formerly Invitae), Labcorp
Classification: Likely pathogenic for Familial melanoma. Last evaluated: 2021-08-03. Review status: criteria provided, single submitter. Criteria: Invitae Variant Classification Sherloc (09022015). Collection method: clinical testing. Allele origin: germline.
Comment: This sequence change creates a premature translational stop signal (p.Leu30Glyfs*14) in the CDKN2A (p14ARF) gene. While this is not anticipated to result in nonsense mediated decay, it is expected to disrupt the last 103 amino acid(s) of the CDKN2A (p14ARF) protein. This variant is not present in population databases (ExAC no frequency). This variant has not been reported in the literature in individuals affected with CDKN2A (p14ARF)-related conditions. This variant disrupts the nucleolar localization signal (NLS) of the CDKN2A (p14ARF) protein, which is required for its nucleolar targeting (PMID: 10871849). While functional studies have not been performed to directly test the effect of this variant on CDKN2A (p14ARF) protein function, this suggests that disruption of this region of the protein is causative of disease. In summary, the currently available evidence indicates that the variant is pathogenic, but additional data are needed to prove that conclusively. Therefore, this variant has been classified as Likely Pathogenic.

Literature cited by the submitters: PubMed 10871849.

NM_058195.4(CDKN2A):c.87_99del (p.Leu30fs)

Gene: CDKN2A (cyclin dependent kinase inhibitor 2A; minus strand). Cytogenetic location: 9p21.3.
Variant type: Deletion.
Coding change: c.87_99del on transcript NM_058195.4 (MANE Plus Clinical); coding-DNA positions 87 to 99, 13 bases deleted (GCTCACGGGGGAG).
Protein change: p.Leu30fs; shifts the reading frame from leucine 30.
Molecular consequence: frameshift variant. On other transcripts: intron variant (1).
Genome position (GRCh38, 1-based): chr9:21,994,233-21,994,245, CTCCCCCGTGAGC deleted on the plus strand (GCTCACGGGGGAG on the coding strand, the reverse complement: CDKN2A is on the minus strand); deleting any 13 consecutive bases within chr9:21,994,233-21,994,246 gives the same sequence; the c. name uses the placement nearest the transcript's 3' end. VCF-style (leftmost placement, unchanged base first): chr9-21994232-ACTCCCCCGTGAGC-A. GRCh37 (hg19) VCF-style: chr9-21994231-ACTCCCCCGTGAGC-A.
Other names: c.-4+576_-4+588del (NM_001363763.2); short protein forms L30fs.
Identifiers: ClinVar variation 1347045 (VCV001347045.3), dbSNP rs2131148531, ClinGen allele CA2573143672.